The following is an entry in ClinVar:

NM_000093.5(COL5A1):c.1048T>C (p.Ser350Pro)

Gene: COL5A1 (collagen type V alpha 1 chain; plus strand). Cytogenetic location: 9q34.3.
Variant type: single nucleotide variant.
Coding change: c.1048T>C on transcript NM_000093.5 (MANE Select); coding-DNA position 1048, T replaced by C.
Protein change: p.Ser350Pro; replaces serine 350 with proline.
Molecular consequence: missense variant.
Genome position (GRCh38, 1-based): chr9:134,730,359, T>C. VCF-style: chr9-134730359-T-C. GRCh37 (hg19) VCF-style: chr9-137622205-T-C.
Other names: c.1048T>C, p.Ser350Pro (NM_001278074.1); c.1048T>C (NM_000093.3); short protein forms S350P.
Identifiers: ClinVar variation 645589 (VCV000645589.35), dbSNP rs1588479393, ClinGen allele CA375449705.

ClinVar aggregate classification (germline): Conflicting classifications of pathogenicity. Review status: criteria provided, conflicting classifications (1 of 4 stars). 5 submissions from 5 submitters: Uncertain significance (4); Likely benign (1). Last evaluated 2026-07-21.

Conditions:
Ehlers-Danlos syndrome, classic type, 1 (EDSCL1). Also called: Ehlers-Danlos syndrome, type 1; Ehlers-Danlos Syndrome, Classic Type, COL5A1-Related; EDS I; EHLERS-DANLOS SYNDROME, GRAVIS TYPE; EHLERS-DANLOS SYNDROME, SEVERE CLASSIC TYPE. Identifiers: MedGen C0268335, MONDO:0019567, OMIM 130000.
Familial thoracic aortic aneurysm and aortic dissection (TAAD). Also called: Thoracic aortic aneurysms and dissections. Identifiers: Orphanet 91387, MedGen C4707243, MONDO:0019625.

Allele frequency attached by ClinVar (database versions not stated): gnomAD exomes below 0.00001.
gnomAD v4.1: 5 of 1,614,184 alleles (0.00031%); highest among the groups gnomAD compares: Non-Finnish European, 0.00042%; no homozygotes.

Submissions (5):

Ambry Genetics
Classification: Likely benign for Familial thoracic aortic aneurysm and aortic dissection. Last evaluated: 2026-07-21. Review status: criteria provided, single submitter. Criteria: Ambry Variant Classification Scheme 2023. Collection method: clinical testing. Allele origin: germline.

Women's Health and Genetics/Laboratory Corporation of America, LabCorp
Classification: Uncertain significance. Last evaluated: 2026-04-22. Review status: criteria provided, single submitter. Criteria: LabCorp Variant Classification Summary - May 2015. Collection method: clinical testing. Allele origin: germline.
Comment: Variant summary: COL5A1 c.1048T>C (p.Ser350Pro) results in a non-conservative amino acid change in the encoded protein sequence. Algorithms developed to predict the effect of missense changes on protein structure and function are either unavailable or do not agree on the potential impact of this missense change. The variant was absent in 251432 control chromosomes. The available data on variant occurrences in the general population are insufficient to allow any conclusion about variant significance. To our knowledge, no occurrence of c.1048T>C in individuals affected with COL5A1-related conditions and no experimental evidence demonstrating its impact on protein function have been reported. ClinVar contains an entry for this variant (Variation ID: 645589). Based on the evidence outlined above, the variant was classified as uncertain significance.

Labcorp Genetics (formerly Invitae), Labcorp
Classification: Uncertain significance for Ehlers-Danlos syndrome, classic type, 1. Last evaluated: 2024-03-21. Review status: criteria provided, single submitter. Criteria: Invitae Variant Classification Sherloc (09022015). Collection method: clinical testing. Allele origin: germline.
Comment: This sequence change replaces serine, which is neutral and polar, with proline, which is neutral and non-polar, at codon 350 of the COL5A1 protein (p.Ser350Pro). This variant is not present in population databases (gnomAD no frequency). This variant has not been reported in the literature in individuals affected with COL5A1-related conditions. ClinVar contains an entry for this variant (Variation ID: 645589). Advanced modeling of protein sequence and biophysical properties (such as structural, functional, and spatial information, amino acid conservation, physicochemical variation, residue mobility, and thermodynamic stability) performed at Invitae indicates that this missense variant is not expected to disrupt COL5A1 protein function with a negative predictive value of 95%. In summary, the available evidence is currently insufficient to determine the role of this variant in disease. Therefore, it has been classified as a Variant of Uncertain Significance.

CeGaT Center for Human Genetics Tuebingen
Classification: Uncertain significance. Last evaluated: 2022-03-01. Review status: criteria provided, single submitter. Criteria: CeGaT Center For Human Genetics Tuebingen Variant Classification Criteria Version 2. Collection method: clinical testing. Allele origin: germline. Affected: yes. Observed: 1 variant allele.
Comment: COL5A1: PM2, BP4

Human Genome Sequencing Center Clinical Lab, Baylor College of Medicine
Classification: Uncertain significance for Ehlers-Danlos syndrome, classic type I. Review status: criteria provided, single submitter. Criteria: ACMG Guidelines, 2015. Collection method: clinical testing. Allele origin: germline.